The following is an entry in ClinVar:

NM_139058.3(ARX):c.635_646del (p.Gly212_Pro215del)

Gene: ARX (aristaless related homeobox; minus strand). Cytogenetic location: Xp21.3.
Variant type: Deletion.
Coding change: c.635_646del on transcript NM_139058.3 (MANE Select); coding-DNA positions 635 to 646, 12 bases deleted (GCAGCGCCCCGG).
Protein change: p.Gly212_Pro215del.
Molecular consequence: inframe deletion.
Genome position (GRCh38, 1-based): chrX:25,013,349-25,013,360, CCGGGGCGCTGC deleted on the plus strand (GCAGCGCCCCGG on the coding strand, the reverse complement: ARX is on the minus strand); deleting any 12 consecutive bases within chrX:25,013,349-25,013,365 gives the same sequence; the c. name uses the placement nearest the transcript's 3' end. VCF-style (leftmost placement, unchanged base first): chrX-25013348-GCCGGGGCGCTGC-G. GRCh37 (hg19) VCF-style: chrX-25031465-GCCGGGGCGCTGC-G.
Identifiers: ClinVar variation 1517045 (VCV001517045.8), dbSNP rs2147323937, ClinGen allele CA2573158498.
Genomic context (GRCh38, chrX:25,013,348, plus strand): 5'-TCTTCTTCGTCCTCCAGCAGCTCCTCCTCGTCGTCCTCGGTGCCGGTGCCACCACCCGCA[GCCGGGGCGCTGC>G]CCGGGCCGCCGGCCACGCCGAGGCGCTCCTCCGGGTGCGTGACGCCCCCCGGGCCGCCCA-3'

ClinVar aggregate classification (germline): Uncertain significance (1 of 4 stars; one submission).

Conditions:
Developmental and epileptic encephalopathy, 1 (DEE1). Also called: INFANTILE SPASM SYNDROME, X-LINKED 1; X-linked infantile spasms; West's syndrome; Tonic spasms with clustering, arrest of psychomotor development and hypsarrhythmia on EEG; X-Linked Infantile Spasm Syndrome; OHTAHARA SYNDROME, X-LINKED. Identifiers: MedGen C3463992, MONDO:0010632, OMIM 308350. Disease mechanism: loss of function.
Intellectual disability, X-linked, with or without seizures, ARX-related. Also called: MENTAL RETARDATION, X-LINKED 29; MENTAL RETARDATION, X-LINKED 32; MENTAL RETARDATION, X-LINKED 33; MENTAL RETARDATION, X-LINKED 38; MENTAL RETARDATION, X-LINKED 43; MENTAL RETARDATION, X-LINKED 76. Identifiers: Orphanet 777, MedGen C0796244, MONDO:0010317, OMIM 300419.

Submission:

Labcorp Genetics (formerly Invitae), Labcorp
Classification: Uncertain significance for Developmental and epileptic encephalopathy, 1; Intellectual disability, X-linked, with or without seizures, ARX-related. Last evaluated: 2026-02-02. Review status: criteria provided, single submitter. Criteria: Invitae Variant Classification Sherloc (09022015). Collection method: clinical testing. Allele origin: germline.
Comment: This variant, c.635_646del, results in the deletion of 4 amino acid(s) of the ARX protein (p.Gly212_Pro215del), but otherwise preserves the integrity of the reading frame. This variant is not present in population databases (gnomAD no frequency). This variant has not been reported in the literature in individuals affected with ARX-related conditions. ClinVar contains an entry for this variant (Variation ID: 1517045). Experimental studies and prediction algorithms are not available or were not evaluated, and the functional significance of this variant is currently unknown. In summary, the available evidence is currently insufficient to determine the role of this variant in disease. Therefore, it has been classified as a Variant of Uncertain Significance.